The following is an entry in ClinVar:

ClinVar aggregate classification (germline): Uncertain significance (1 of 4 stars; one submission).

Submission:

Labcorp Genetics (formerly Invitae), Labcorp
Classification: Uncertain significance. Last evaluated: 2025-11-21. Review status: criteria provided, single submitter. Criteria: Invitae Variant Classification Sherloc (09022015). Collection method: clinical testing. Allele origin: germline.
Comment: This variant, c.1504_1515del, results in the deletion of 4 amino acid(s) of the ANLN protein (p.Ser502_Glu505del), but otherwise preserves the integrity of the reading frame. This variant is not present in population databases (gnomAD no frequency). This variant has not been reported in the literature in individuals affected with ANLN-related conditions. Experimental studies and prediction algorithms are not available or were not evaluated, and the functional significance of this variant is currently unknown. In summary, the available evidence is currently insufficient to determine the role of this variant in disease. Therefore, it has been classified as a Variant of Uncertain Significance.

NM_018685.5(ANLN):c.1504_1515del (p.Ser502_Glu505del)

Gene: ANLN (anillin, actin binding protein; plus strand). Cytogenetic location: 7p14.2.
Variant type: Deletion.
Coding change: c.1504_1515del on transcript NM_018685.5 (MANE Select); coding-DNA positions 1504 to 1515, 12 bases deleted (TCTAGTACAGAA).
Protein change: p.Ser502_Glu505del.
Molecular consequence: inframe deletion.
Genome position (GRCh38, 1-based): chr7:36,415,866-36,415,877, TCTAGTACAGAA deleted. VCF-style (leftmost placement, unchanged base first): chr7-36415865-TTCTAGTACAGAA-T. GRCh37 (hg19) VCF-style: chr7-36455474-TTCTAGTACAGAA-T.
Other names: c.1504_1515del, p.Ser502_Glu505del (NM_001284301.3, NM_001284302.3).
Identifiers: ClinVar variation 4731663 (VCV004731663.1).